The following is an entry in ClinVar:

NM_001377229.1(DISP1):c.1400T>C (p.Ile467Thr)

Gene: DISP1 (dispatched RND transporter family member 1; plus strand). Cytogenetic location: 1q41.
Variant type: single nucleotide variant.
Coding change: c.1400T>C on transcript NM_001377229.1 (MANE Select); coding-DNA position 1400, T replaced by C.
Protein change: p.Ile467Thr; replaces isoleucine 467 with threonine.
Molecular consequence: missense variant.
Genome position (GRCh38, 1-based): chr1:223,002,797, T>C. VCF-style: chr1-223002797-T-C. GRCh37 (hg19) VCF-style: chr1-223176139-T-C.
Other names: c.671T>C, p.Ile224Thr (NM_001350630.2); c.1400T>C, p.Ile467Thr (NM_001369594.1, NM_001377228.1, NM_032890.5); short protein forms I467T, I224T.
Identifiers: ClinVar variation 1429482 (VCV001429482.6), dbSNP rs755303223, ClinGen allele CA1409066.

ClinVar aggregate classification (germline): Uncertain significance (1 of 4 stars; one submission).

Allele frequency attached by ClinVar (database versions not stated): ExAC 0.00001; gnomAD 0.00001; gnomAD exomes 0.00002; TOPMed 0.00002.
gnomAD v4.1: 26 of 1,613,970 alleles (0.0016%); highest among the groups gnomAD compares: African/African-American, 0.0027%; no homozygotes.

Submission:

Labcorp Genetics (formerly Invitae), Labcorp
Classification: Uncertain significance. Last evaluated: 2022-08-09. Review status: criteria provided, single submitter. Criteria: Invitae Variant Classification Sherloc (09022015). Collection method: clinical testing. Allele origin: germline.
Comment: In summary, the available evidence is currently insufficient to determine the role of this variant in disease. Therefore, it has been classified as a Variant of Uncertain Significance. Algorithms developed to predict the effect of missense changes on protein structure and function (SIFT, PolyPhen-2, Align-GVGD) all suggest that this variant is likely to be tolerated. ClinVar contains an entry for this variant (Variation ID: 1429482). This variant has not been reported in the literature in individuals affected with DISP1-related conditions. This variant is present in population databases (rs755303223, gnomAD 0.007%). This sequence change replaces isoleucine, which is neutral and non-polar, with threonine, which is neutral and polar, at codon 467 of the DISP1 protein (p.Ile467Thr).